The following is an entry in ClinVar:

NM_025114.4(CEP290):c.1890A>G (p.Ile630Met)

Gene: CEP290 (centrosomal protein 290; minus strand). Cytogenetic location: 12q21.32.
Variant type: single nucleotide variant.
Coding change: c.1890A>G on transcript NM_025114.4 (MANE Select); coding-DNA position 1890, A replaced by G.
Protein change: p.Ile630Met; replaces isoleucine 630 with methionine.
Molecular consequence: missense variant.
Genome position (GRCh38, 1-based): chr12:88,115,117, T>C on the plus strand (A>G on the coding strand, the complement: CEP290 is on the minus strand). VCF-style: chr12-88115117-T-C. GRCh37 (hg19) VCF-style: chr12-88508894-T-C.
Other names: short protein forms I630M.
Identifiers: ClinVar variation 4999313 (VCV004999313.1).
Genomic context (GRCh38, chr12:88,115,117, plus strand): 5'-GAAAAATAAGAACAGAAAAGTAAAAGATAATTGTAACTTACATTTATTCTGAAATTTGGC[T>C]ATCACTGTCCTACTCCTTTCTAAATCTCTTTCTTTTTCAATTAGTTCTCTTGAAAGAAAT-3'
Protein context (NP_079390.3, residues 620-640): ERDLERSRTV[Ile630Met]AKFQNKLKEL

ClinVar aggregate classification (germline): Uncertain significance (1 of 4 stars; one submission).

Conditions:
CEP290-related disorder. Also called: CEP290-related disorders; CEP290-related condition. Identifiers: MedGen CN239314.

Submission:

PreventionGenetics, part of Exact Sciences
Classification: Uncertain significance for CEP290-related condition. Last evaluated: 2025-06-11. Review status: criteria provided, single submitter. Criteria: ACMG Guidelines, 2015. Collection method: clinical testing. Allele origin: germline.
Comment: The CEP290 c.1890A>G variant is predicted to result in the amino acid substitution p.Ile630Met. To our knowledge, this variant has not been reported in the literature or in a large population database (gnomAD), indicating this variant is rare. At this time, the clinical significance of this variant is uncertain due to the absence of conclusive functional and genetic evidence.